The following is an entry in ClinVar:

NM_000444.6(PHEX):c.663+6A>G

Gene: PHEX (phosphate regulating endopeptidase X-linked; plus strand). Cytogenetic location: Xp22.11.
Variant type: single nucleotide variant.
Coding change: c.663+6A>G on transcript NM_000444.6 (MANE Select); 6 bases into the intron after coding-DNA position 663, A replaced by G.
Molecular consequence: intron variant.
Genome position (GRCh38, 1-based): chrX:22,077,708, A>G. VCF-style: chrX-22077708-A-G. GRCh37 (hg19) VCF-style: chrX-22095826-A-G.
Other names: c.663+6A>G (NM_001282754.2).
Identifiers: ClinVar variation 2027245 (VCV002027245.4), dbSNP rs2519754643, ClinGen allele CA2580100470.

ClinVar aggregate classification (germline): Uncertain significance (1 of 4 stars; one submission).

Allele frequency attached by ClinVar (database versions not stated): gnomAD exomes below 0.00001.
gnomAD v4.1: 1 of 1,159,378 alleles (0.000086%); highest among the groups gnomAD compares: Non-Finnish European, 0.00012%; no homozygotes.

Submission:

Labcorp Genetics (formerly Invitae), Labcorp
Classification: Uncertain significance. Last evaluated: 2022-09-26. Review status: criteria provided, single submitter. Criteria: Invitae Variant Classification Sherloc (09022015). Collection method: clinical testing. Allele origin: germline.
Comment: This sequence change falls in intron 5 of the PHEX gene. It does not directly change the encoded amino acid sequence of the PHEX protein. It affects a nucleotide within the consensus splice site. This variant is not present in population databases (gnomAD no frequency). This variant has not been reported in the literature in individuals affected with PHEX-related conditions. Variants that disrupt the consensus splice site are a relatively common cause of aberrant splicing (PMID: 17576681, 9536098). Algorithms developed to predict the effect of sequence changes on RNA splicing suggest that this variant is not likely to affect RNA splicing. In summary, the available evidence is currently insufficient to determine the role of this variant in disease. Therefore, it has been classified as a Variant of Uncertain Significance.

Literature cited by the submitters: PubMed 17576681; PubMed 9536098.